The following is an entry in ClinVar:

NM_194454.3(KRIT1):c.142A>T (p.Lys48Ter)

Gene: KRIT1 (KRIT1 ankyrin repeat containing; minus strand). Cytogenetic location: 7q21.2.
Variant type: single nucleotide variant.
Coding change: c.142A>T on transcript NM_194454.3 (MANE Select); coding-DNA position 142, A replaced by T.
Protein change: p.Lys48Ter; replaces lysine 48 with a stop codon.
Molecular consequence: nonsense. On other transcripts: 5 prime UTR variant (1).
Genome position (GRCh38, 1-based): chr7:92,241,113, T>A on the plus strand (A>T on the coding strand, the complement: KRIT1 is on the minus strand). VCF-style: chr7-92241113-T-A. GRCh37 (hg19) VCF-style: chr7-91870427-T-A.
Other names: c.142A>T, p.Lys48Ter (NM_001013406.2, NM_001350669.1, NM_001350670.1 and 29 more transcripts); c.-442A>T (NM_001350671.1); short protein forms K48*.
Identifiers: ClinVar variation 3650427 (VCV003650427.2).

ClinVar aggregate classification (germline): Pathogenic (1 of 4 stars; one submission).

Conditions:
Cerebral cavernous malformation (CCM). Also called: Cavernous Hemangioma of Brain; Cerebral cavernous hemangioma (type); CAVERNOUS ANGIOMA, FAMILIAL; CAVERNOUS ANGIOMATOUS MALFORMATIONS; CEREBRAL CAPILLARY MALFORMATIONS; Cerebral cavernous malformations. Identifiers: Orphanet 221061, MedGen C2919945, MONDO:0000820, OMIM 116860, HP:0033522.

Submission:

Labcorp Genetics (formerly Invitae), Labcorp
Classification: Pathogenic for Cerebral cavernous malformation. Last evaluated: 2024-04-19. Review status: criteria provided, single submitter. Criteria: Invitae Variant Classification Sherloc (09022015). Collection method: clinical testing. Allele origin: germline.
Comment: This sequence change creates a premature translational stop signal (p.Lys48*) in the KRIT1 gene. It is expected to result in an absent or disrupted protein product. Loss-of-function variants in KRIT1 are known to be pathogenic (PMID: 10508515, 11222804, 12404106, 24689081). This variant is not present in population databases (gnomAD no frequency). This variant has not been reported in the literature in individuals affected with KRIT1-related conditions. For these reasons, this variant has been classified as Pathogenic.

Literature cited by the submitters: PubMed 10508515; PubMed 11222804; PubMed 12404106; PubMed 24689081.